The following is an entry in ClinVar:

ClinVar aggregate classification (germline): Uncertain significance (1 of 4 stars; one submission).

Conditions:
AGRN-related disorder. Also called: AGRN-related condition.

Submission:

PreventionGenetics, part of Exact Sciences
Classification: Uncertain significance for AGRN-related condition. Last evaluated: 2022-12-19. Review status: criteria provided, single submitter. Criteria: ACMG Guidelines, 2015. Collection method: clinical testing. Allele origin: germline.
Comment: The AGRN c.3497C>T variant is predicted to result in the amino acid substitution p.Ala1166Val. To our knowledge, this variant has not been reported in the literature or in a large population database, indicating this variant is rare. At this time, the clinical significance of this variant is uncertain due to the absence of conclusive functional and genetic evidence.

NM_198576.4(AGRN):c.3497C>T (p.Ala1166Val)

Gene: AGRN (agrin; plus strand). Cytogenetic location: 1p36.33.
Variant type: single nucleotide variant.
Coding change: c.3497C>T on transcript NM_198576.4 (MANE Select); coding-DNA position 3497, C replaced by T.
Protein change: p.Ala1166Val; replaces alanine 1166 with valine.
Molecular consequence: missense variant.
Genome position (GRCh38, 1-based): chr1:1,047,435, C>T. VCF-style: chr1-1047435-C-T. GRCh37 (hg19) VCF-style: chr1-982815-C-T.
Other names: c.3497C>T, p.Ala1166Val (NM_001305275.2); c.3182C>T, p.Ala1061Val (NM_001364727.2); short protein forms A1061V, A1166V.
Identifiers: ClinVar variation 2637081 (VCV002637081.1), dbSNP rs2522737576, ClinGen allele CA337849563.